The following is an entry in ClinVar:

NM_152564.5(VPS13B):c.11880dup (p.Pro3961fs)

Gene: VPS13B (vacuolar protein sorting 13 homolog B; plus strand). Cytogenetic location: 8q22.2.
Variant type: Duplication.
Coding change: c.11880dup on transcript NM_152564.5 (MANE Select); coding-DNA position 11880, one base duplicated (T; older notation c.11880dupT).
Protein change: p.Pro3961fs; shifts the reading frame from proline 3961.
Molecular consequence: frameshift variant.
Genome position (GRCh38, 1-based): chr8:99,875,552, T duplicated. VCF-style (leftmost placement, unchanged base first): chr8-99875551-C-CT. GRCh37 (hg19) VCF-style: chr8-100887779-C-CT.
Other names: c.11955dupT (NM_017890.4); c.11955dup, p.Pro3986fs (NM_017890.5); short protein forms P3961fs, P3986fs.
Identifiers: ClinVar variation 371511 (VCV000371511.6), dbSNP rs1057517328, ClinGen allele CA16041282.
Genomic context (GRCh38, chr8:99,875,551, plus strand): 5'-GTCACCTGGCCCCCAGCTGTTCTTCCATGCAAATACCATGCCCTGTGGTGGCTGCAGAAC[C>CT]TCCCCCCTCCACTGTTAAAACATACCATTACCTGGTTGATCCACATTTTGCTCAGGTCTT-3'

ClinVar aggregate classification (germline): Pathogenic. Review status: criteria provided, single submitter (1 of 4 stars). 2 submissions from 2 submitters: Pathogenic (1). 1 of the submissions does not count toward it. Last evaluated 2023-12-23.

Conditions:
Cohen syndrome (COH1). Also called: Cutis verticis gyrata, retinitis pigmentosa, and sensorineural deafness; PEPPER SYNDROME. Identifiers: Orphanet 193, MedGen C0265223, MONDO:0008999, OMIM 216550.

Allele frequency attached by ClinVar (database versions not stated): gnomAD exomes below 0.00001.

Submissions (2):

Labcorp Genetics (formerly Invitae), Labcorp
Classification: Pathogenic for Cohen syndrome. Last evaluated: 2023-12-23. Review status: criteria provided, single submitter. Criteria: Invitae Variant Classification Sherloc (09022015). Collection method: clinical testing. Allele origin: germline.
Comment: This sequence change creates a premature translational stop signal (p.Pro3986Serfs*6) in the VPS13B gene. While this is not anticipated to result in nonsense mediated decay, it is expected to disrupt the last 37 amino acid(s) of the VPS13B protein. This variant is not present in population databases (gnomAD no frequency). This variant has not been reported in the literature in individuals affected with VPS13B-related conditions. ClinVar contains an entry for this variant (Variation ID: 371511). This variant disrupts a region of the VPS13B protein in which other variant(s) (p.Lys3991Leufs*23) have been determined to be pathogenic (Invitae). This suggests that this is a clinically significant region of the protein, and that variants that disrupt it are likely to be disease-causing. For these reasons, this variant has been classified as Pathogenic.

Counsyl
Classification: Likely pathogenic for Cohen syndrome. Last evaluated: 2016-10-06. Review status: no assertion criteria provided. Collection method: clinical testing. Allele origin: unknown. Not counted in ClinVar's aggregate classification.